The following is an entry in ClinVar:

NM_002458.3(MUC5B):c.933C>T (p.His311=)

Gene: MUC5B (mucin 5B, oligomeric mucus/gel-forming; plus strand). Cytogenetic location: 11p15.5.
Variant type: single nucleotide variant.
Coding change: c.933C>T on transcript NM_002458.3 (MANE Select); coding-DNA position 933, C replaced by T.
Protein change: p.His311=; no amino-acid change (histidine 311 retained).
Molecular consequence: synonymous variant.
Genome position (GRCh38, 1-based): chr11:1,228,722, C>T. VCF-style: chr11-1228722-C-T. GRCh37 (hg19) VCF-style: chr11-1249952-C-T.
Identifiers: ClinVar variation 178785 (VCV000178785.4), dbSNP rs145446448, ClinGen allele CA183035.

ClinVar aggregate classification (germline): Benign (1 of 4 stars; one submission).

Allele frequency attached by ClinVar (database versions not stated): ESP Exome Variant Server 0.00448; gnomAD exomes 0.00455; 1000 Genomes Project 0.00539; ExAC 0.00546; 1000 Genomes Project 30x 0.00593; gnomAD 0.00673; TOPMed 0.00678.
gnomAD v4.1: 7,817 of 1,524,960 alleles (0.51%); highest among the groups gnomAD compares: African/African-American, 1.1%; 35 homozygotes.

Submission:

Laboratory for Molecular Medicine, Mass General Brigham Personalized Medicine
Classification: Benign. Last evaluated: 2013-02-21. Review status: criteria provided, single submitter. Criteria: LMM Criteria. Collection method: clinical testing. Allele origin: germline. Observed: 2 variant alleles.
Comment: His311His in exon 8 of MUC5B: This variant is not expected to have clinical sign ificance because it does not alter an amino acid residue and is not located with in the splice consensus sequence. It has been identified in 0.8% (28/3324) of Af rican American chromosomes from a broad population by the NHLBI Exome Sequencing Project (dbSNP rs145446448).